The following is an entry in ClinVar:

ClinVar aggregate classification (germline): Uncertain significance (1 of 4 stars; one submission).

Submission:

Labcorp Genetics (formerly Invitae), Labcorp
Classification: Uncertain significance. Last evaluated: 2024-07-15. Review status: criteria provided, single submitter. Criteria: Invitae Variant Classification Sherloc (09022015). Collection method: clinical testing. Allele origin: germline.
Comment: This sequence change replaces arginine, which is basic and polar, with serine, which is neutral and polar, at codon 145 of the GATAD2B protein (p.Arg145Ser). This variant is not present in population databases (gnomAD no frequency). This variant has not been reported in the literature in individuals affected with GATAD2B-related conditions. Advanced modeling of protein sequence and biophysical properties (such as structural, functional, and spatial information, amino acid conservation, physicochemical variation, residue mobility, and thermodynamic stability) performed at Invitae indicates that this missense variant is not expected to disrupt GATAD2B protein function with a negative predictive value of 80%. In summary, the available evidence is currently insufficient to determine the role of this variant in disease. Therefore, it has been classified as a Variant of Uncertain Significance.

NM_020699.4(GATAD2B):c.435A>C (p.Arg145Ser)

Gene: GATAD2B (GATA zinc finger domain containing 2B; minus strand). Cytogenetic location: 1q21.3.
Variant type: single nucleotide variant.
Coding change: c.435A>C on transcript NM_020699.4 (MANE Select); coding-DNA position 435, A replaced by C.
Protein change: p.Arg145Ser; replaces arginine 145 with serine.
Molecular consequence: missense variant.
Genome position (GRCh38, 1-based): chr1:153,819,636, T>G on the plus strand (A>C on the coding strand, the complement: GATAD2B is on the minus strand). VCF-style: chr1-153819636-T-G. GRCh37 (hg19) VCF-style: chr1-153792112-T-G.
Other names: short protein forms R145S.
Identifiers: ClinVar variation 2828013 (VCV002828013.3), dbSNP rs2525261328, ClinGen allele CA342535004.